The following is an entry in ClinVar:

ClinVar aggregate classification (germline): Uncertain significance. Review status: criteria provided, multiple submitters, no conflicts (2 of 4 stars). 2 submissions from 2 submitters: Uncertain significance (2). Last evaluated 2025-11-06.

Conditions:
Inborn genetic diseases. Identifiers: MedGen C0950123, MeSH D030342.

Allele frequency attached by ClinVar (database versions not stated): TOPMed below 0.00001; gnomAD 0.00001; gnomAD exomes 0.00001.
gnomAD v4.1: 6 of 1,613,940 alleles (0.00037%); highest among the groups gnomAD compares: Admixed American, 0.01%; no homozygotes.

Submissions (2):

Labcorp Genetics (formerly Invitae), Labcorp
Classification: Uncertain significance. Last evaluated: 2025-11-06. Review status: criteria provided, single submitter. Criteria: Invitae Variant Classification Sherloc (09022015). Collection method: clinical testing. Allele origin: germline.
Comment: This sequence change replaces asparagine, which is neutral and polar, with aspartic acid, which is acidic and polar, at codon 363 of the ARHGAP31 protein (p.Asn363Asp). This variant is present in population databases (no rsID available, gnomAD 0.003%). This variant has not been reported in the literature in individuals affected with ARHGAP31-related conditions. ClinVar contains an entry for this variant (Variation ID: 2244356). An algorithm developed to predict the effect of missense changes on protein structure and function (PolyPhen-2) suggests that this variant is likely to be tolerated. In summary, the available evidence is currently insufficient to determine the role of this variant in disease. Therefore, it has been classified as a Variant of Uncertain Significance.

Ambry Genetics
Classification: Uncertain significance for Inborn genetic diseases. Last evaluated: 2021-08-13. Review status: criteria provided, single submitter. Criteria: Ambry Variant Classification Scheme 2023. Collection method: clinical testing. Allele origin: germline.

NM_020754.4(ARHGAP31):c.1087A>G (p.Asn363Asp)

Gene: ARHGAP31 (Rho GTPase activating protein 31; plus strand). Cytogenetic location: 3q13.33.
Variant type: single nucleotide variant.
Coding change: c.1087A>G on transcript NM_020754.4 (MANE Select); coding-DNA position 1087, A replaced by G.
Protein change: p.Asn363Asp; replaces asparagine 363 with aspartic acid.
Molecular consequence: missense variant.
Genome position (GRCh38, 1-based): chr3:119,401,839, A>G. VCF-style: chr3-119401839-A-G. GRCh37 (hg19) VCF-style: chr3-119120686-A-G.
Other names: short protein forms N363D.
Identifiers: ClinVar variation 2244356 (VCV002244356.3), dbSNP rs1468966609, ClinGen allele CA354036896.
Genomic context (GRCh38, chr3:119,401,839, plus strand): 5'-GTGTGCCCCGGCTGCTGACCATACACTTGTTCCTTTTTACTAGGAAAAGAAACCAAGGGA[A>G]ATTTCAATCGAACAGTTACCACCGGTGGATTTTTCATTCCAGCAACAAAGATGCACTCCA-3'
Protein context (NP_065805.2, residues 353-373): VPVEGKETKG[Asn363Asp]FNRTVTTGGF